The following is an entry in ClinVar:

ClinVar aggregate classification (germline): Likely pathogenic (1 of 4 stars; one submission).

Conditions:
Hyperinsulinemic hypoglycemia, familial, 1 (HHF1). Also called: Persistent hyperinsulinemic hypoglycemia of infancy; NESIDIOBLASTOSIS OF PANCREAS; HYPERINSULINISM, FAMILIAL, WITH PANCREATIC NESIDIOBLASTOSIS; HYPOGLYCEMIA, HYPERINSULINEMIC, OF INFANCY; Persistent Hyperinsulinemia Hypoglycemia of Infancy. Identifiers: Orphanet 276575, Orphanet 276598, MedGen C2931832, MONDO:0009734, OMIM 256450.

Submission:

3billion
Classification: Likely pathogenic for Hyperinsulinemic hypoglycemia, familial, 1. Last evaluated: 2022-09-01. Review status: criteria provided, single submitter. Criteria: ACMG Guidelines, 2015. Collection method: clinical testing. Allele origin: germline. Affected: yes. Observed: 1 heterozygote.
Comment: The variant is not observed in the gnomAD v2.1.1 dataset. Canonical splice site is predicted to alter splicing and result in a loss or disruption of normal protein function. Multiple pathogenic loss-of-function variants are reported downstream of the variant. Therefore, this variant is classified as Likely pathogenic according to the recommendation of ACMG/AMP guideline.

NM_000352.6(ABCC8):c.3753+1G>T

Gene: ABCC8 (ATP binding cassette subfamily C member 8; minus strand). Cytogenetic location: 11p15.1.
Variant type: single nucleotide variant.
Coding change: c.3753+1G>T on transcript NM_000352.6 (MANE Select); the canonical splice donor site of the intron after coding-DNA position 3753, G replaced by T.
Molecular consequence: splice donor variant.
Genome position (GRCh38, 1-based): chr11:17,398,338, C>A on the plus strand (G>T on the coding strand, the complement: ABCC8 is on the minus strand). VCF-style: chr11-17398338-C-A. GRCh37 (hg19) VCF-style: chr11-17419885-C-A.
Other names: c.3750+1G>T (NM_001351297.2); c.3753+1G>T (NM_001351296.2); c.3819+1G>T (NM_001351295.2); c.3756+1G>T (NM_001287174.3).
Identifiers: ClinVar variation 1705497 (VCV001705497.1), dbSNP rs1554906786, ClinGen allele CA379793875.